The following is an entry in ClinVar:

NM_000218.3(KCNQ1):c.1514+34238C>T

Genes: KCNQ1 (potassium voltage-gated channel subfamily Q member 1; plus strand), KCNQ1OT1 (KCNQ1 opposite strand/antisense transcript 1; minus strand). Cytogenetic location: 11p15.5.
Variant type: single nucleotide variant.
Coding change: c.1514+34238C>T on transcript NM_000218.3 (MANE Select); 34238 bases into the intron after coding-DNA position 1514, C replaced by T.
Molecular consequence: intron variant. On other transcripts: non-coding transcript variant (1).
Genome position (GRCh38, 1-based): chr11:2,696,319, C>T. VCF-style: chr11-2696319-C-T. GRCh37 (hg19) VCF-style: chr11-2717549-C-T.
Other names: c.974+34238C>T (NM_001406838.1); c.1133+34238C>T (NM_181798.2); c.1244+34238C>T (NM_001406837.1); c.1418+34238C>T (NM_001406836.1).
Identifiers: ClinVar variation 3250936 (VCV003250936.18), dbSNP rs184511420.

ClinVar aggregate classification (germline): Likely benign (1 of 4 stars; one submission).

Allele frequency attached by ClinVar (database versions not stated): gnomAD exomes 0.00031; gnomAD 0.00237; TOPMed 0.00308; 1000 Genomes Project 0.00379; 1000 Genomes Project 30x 0.00406.
gnomAD v4.1: 446 of 398,584 alleles (0.11%); highest among the groups gnomAD compares: African/African-American, 0.84%; 1 homozygote.

Submission:

CeGaT Center for Human Genetics Tuebingen
Classification: Likely benign. Last evaluated: 2024-06-01. Review status: criteria provided, single submitter. Criteria: CeGaT Center For Human Genetics Tuebingen Variant Classification Criteria Version 2. Collection method: clinical testing. Allele origin: germline. Affected: yes. Observed: 1 variant allele.
Comment: KCNQ1OT1: BS1